The following is an entry in ClinVar:

NM_000266.3(NDP):c.-396_-395delTC

Gene: NDP (norrin cystine knot growth factor NDP; minus strand). Cytogenetic location: Xp11.3.
Variant type: Microsatellite.
Coding change: c.-396_-395delTC on transcript NM_000266.3; 396 bases upstream of the start codon through 395 bases upstream of the start codon, 2 bases deleted (TC).
Genome position (GRCh38, 1-based): chrX:43,973,491-43,973,492, GA deleted on the plus strand (TC on the coding strand, the reverse complement: NDP is on the minus strand); deleting any 2 consecutive bases within chrX:43,973,491-43,973,503 gives the same sequence; the c. name uses the placement nearest the transcript's 3' end. VCF-style (leftmost placement, unchanged base first): chrX-43973490-GGA-G. GRCh37 (hg19) VCF-style: chrX-43832736-GGA-G.
Identifiers: ClinVar variation 3059872 (VCV003059872.2), dbSNP rs973765631, ClinGen allele CA516145997.

ClinVar aggregate classification (germline): Likely benign (0 of 4 stars; one submission).

Conditions:
NDP-related disorder. Also called: NDP-related condition.

Submission:

PreventionGenetics, part of Exact Sciences
Classification: Likely benign for NDP-related condition. Last evaluated: 2019-06-17. Review status: no assertion criteria provided. Collection method: clinical testing. Allele origin: germline.
Comment: This variant is classified as likely benign based on ACMG/AMP sequence variant interpretation guidelines (Richards et al. 2015 PMID: 25741868, with internal and published modifications).